The following is an entry in ClinVar:

NM_006904.7(PRKDC):c.11027C>A (p.Pro3676His)

Gene: PRKDC (protein kinase, DNA-activated, catalytic subunit; minus strand). Cytogenetic location: 8q11.21.
Variant type: single nucleotide variant.
Coding change: c.11027C>A on transcript NM_006904.7 (MANE Select); coding-DNA position 11027, C replaced by A.
Protein change: p.Pro3676His; replaces proline 3676 with histidine.
Molecular consequence: missense variant.
Genome position (GRCh38, 1-based): chr8:47,785,193, G>T on the plus strand (C>A on the coding strand, the complement: PRKDC is on the minus strand). VCF-style: chr8-47785193-G-T. GRCh37 (hg19) VCF-style: chr8-48697754-G-T.
Other names: c.11027C>A, p.Pro3676His (NM_001081640.2); short protein forms P3676H.
Identifiers: ClinVar variation 1389332 (VCV001389332.6), dbSNP rs753501125, ClinGen allele CA371131068.
Genomic context (GRCh38, chr8:47,785,193, plus strand): 5'-CTCAGGAACTCCACTTTGAAGTCGCTCATCCAGGGTGAACATTCTTTCAGATTCCCAGGG[G>T]GCTTTGAGTCTTTGTTCATTTTTAAAAGTAGCATGTTGGTAATGTCGTTGAAGTCACTGA-3'
Protein context (NP_008835.5, residues 3666-3686): LLLKMNKDSK[Pro3676His]PGNLKECSPW

ClinVar aggregate classification (germline): Uncertain significance (1 of 4 stars; one submission).

Conditions:
Severe combined immunodeficiency due to DNA-PKcs deficiency. Also called: IMMUNODEFICIENCY 26 WITH NEUROLOGIC ABNORMALITIES; Immunodeficiency 26 with or without neurologic abnormalities. Identifiers: Orphanet 317425, MedGen C4014833, MONDO:0014423, OMIM 615966.

Submission:

Labcorp Genetics (formerly Invitae), Labcorp
Classification: Uncertain significance for Severe combined immunodeficiency due to DNA-PKcs deficiency. Last evaluated: 2022-07-19. Review status: criteria provided, single submitter. Criteria: Invitae Variant Classification Sherloc (09022015). Collection method: clinical testing. Allele origin: germline.
Comment: In summary, the available evidence is currently insufficient to determine the role of this variant in disease. Therefore, it has been classified as a Variant of Uncertain Significance. Experimental studies and prediction algorithms are not available or were not evaluated, and the functional significance of this variant is currently unknown. ClinVar contains an entry for this variant (Variation ID: 1389332). This variant has not been reported in the literature in individuals affected with PRKDC-related conditions. This variant is not present in population databases (gnomAD no frequency). This sequence change replaces proline with histidine at codon 3676 of the PRKDC protein (p.Pro3676His). The proline residue is weakly conserved and there is a moderate physicochemical difference between proline and histidine.